The following is an entry in ClinVar:

ClinVar aggregate classification (germline): Conflicting classifications of pathogenicity. Review status: criteria provided, conflicting classifications (1 of 4 stars). 3 submissions from 3 submitters: Uncertain significance (1); Likely benign (2). Last evaluated 2026-01-28.

Conditions:
Inborn genetic diseases. Identifiers: MedGen C0950123, MeSH D030342.
Kleefstra syndrome 1 (KLEFS1). Identifiers: Orphanet 261494, MedGen C0795833, MONDO:0027407, OMIM 610253.

Allele frequency attached by ClinVar (database versions not stated): gnomAD 0.00004; TOPMed 0.00005.
gnomAD v4.1: 21 of 1,613,094 alleles (0.0013%); highest among the groups gnomAD compares: African/African-American, 0.0053%; no homozygotes.

Submissions (3):

Labcorp Genetics (formerly Invitae), Labcorp
Classification: Likely benign for Kleefstra syndrome 1. Last evaluated: 2026-01-28. Review status: criteria provided, single submitter. Criteria: Invitae Variant Classification Sherloc (09022015). Collection method: clinical testing. Allele origin: germline.

Ambry Genetics
Classification: Likely benign for Inborn genetic diseases. Last evaluated: 2024-07-05. Review status: criteria provided, single submitter. Criteria: Ambry Variant Classification Scheme 2023. Collection method: clinical testing. Allele origin: germline.

GeneDx
Classification: Uncertain significance. Last evaluated: 2022-05-31. Review status: criteria provided, single submitter. Criteria: GeneDx Variant Classification Process June 2021. Collection method: clinical testing. Allele origin: germline. Affected: yes.
Comment: In silico analysis supports that this missense variant has a deleterious effect on protein structure/function; Has not been previously published as pathogenic or benign to our knowledge

NM_024757.5(EHMT1):c.3632G>A (p.Arg1211His)

Gene: EHMT1 (euchromatic histone lysine methyltransferase 1; plus strand). Cytogenetic location: 9q34.3.
Variant type: single nucleotide variant.
Coding change: c.3632G>A on transcript NM_024757.5 (MANE Select); coding-DNA position 3632, G replaced by A.
Protein change: p.Arg1211His; replaces arginine 1211 with histidine.
Molecular consequence: missense variant.
Genome position (GRCh38, 1-based): chr9:137,834,440, G>A. VCF-style: chr9-137834440-G-A. GRCh37 (hg19) VCF-style: chr9-140728892-G-A.
Other names: c.3611G>A, p.Arg1204His (NM_001354263.2); short protein forms R1211H, R1204H.
Identifiers: ClinVar variation 773981 (VCV000773981.12), dbSNP rs751046687, ClinGen allele CA5375404.